The following is an entry in ClinVar:

NM_001042492.3(NF1):c.1647G>T (p.Leu549=)

Gene: NF1 (neurofibromin 1; plus strand). Cytogenetic location: 17q11.2.
Variant type: single nucleotide variant.
Coding change: c.1647G>T on transcript NM_001042492.3 (MANE Select); coding-DNA position 1647, G replaced by T.
Protein change: p.Leu549=; no amino-acid change (leucine 549 retained).
Molecular consequence: synonymous variant.
Genome position (GRCh38, 1-based): chr17:31,221,855, G>T. VCF-style: chr17-31221855-G-T. GRCh37 (hg19) VCF-style: chr17-29548873-G-T.
Other names: c.1647G>T, p.Leu549= (NM_000267.4, NM_001128147.3).
Identifiers: ClinVar variation 480129 (VCV000480129.13), dbSNP rs774627695, ClinGen allele CA8485821.
Genomic context (GRCh38, chr17:31,221,855, plus strand): 5'-CCAAAAATGTTTGAGTGAGTCTTCTCTTTGTCTTTCTCTTTTTTAAAAAATTCAGGCTCT[G>T]CTGGTTCTTCATCAGTTAGATAGCATTGATTTGTGGAATCCTGATGCTCCTGTAGAAACA-3'
Protein context (NP_001035957.1, residues 539-559): PEIAQEAMEA[Leu549=]LVLHQLDSID

ClinVar aggregate classification (germline): Benign/Likely benign. Review status: criteria provided, multiple submitters, no conflicts (2 of 4 stars). 4 submissions from 4 submitters: Benign (1); Likely benign (3). Last evaluated 2026-05-15.

Conditions:
Hereditary cancer-predisposing syndrome. Also called: Hereditary neoplastic syndrome; Neoplastic Syndromes, Hereditary; Hereditary Cancer Syndrome; Tumor predisposition. Identifiers: Orphanet 140162, MedGen C0027672, MeSH D009386, MONDO:0015356.
Cardiovascular phenotype. Identifiers: MedGen CN230736.
Neurofibromatosis, type 1 (NF1). Also called: Peripheral type neurofibromatosis; Neurofibromatosis, type I; VON RECKLINGHAUSEN DISEASE; NEUROFIBROMATOSIS, TYPE I, SOMATIC. Identifiers: Orphanet 636, MedGen C0027831, MONDO:0018975, OMIM 162200. Disease mechanism: loss of function.

Allele frequency attached by ClinVar (database versions not stated): ExAC 0.00001; gnomAD exomes below 0.00001.

Submissions (4):

Myriad Genetics, Inc.
Classification: Benign for Neurofibromatosis, type 1. Last evaluated: 2026-05-15. Review status: criteria provided, single submitter. Criteria: Myriad Autosomal Dominant, Autosomal Recessive and X-Linked Classification Criteria (2023). Collection method: clinical testing. Allele origin: unknown.
Comment: This variant is considered benign. This variant is a silent/synonymous amino acid change and it is not expected to impact splicing.

Labcorp Genetics (formerly Invitae), Labcorp
Classification: Likely benign for Neurofibromatosis, type 1. Last evaluated: 2025-09-12. Review status: criteria provided, single submitter. Criteria: Invitae Variant Classification Sherloc (09022015). Collection method: clinical testing. Allele origin: germline.

Genome-Nilou Lab
Classification: Likely benign for Neurofibromatosis, type 1. Last evaluated: 2022-03-15. Review status: criteria provided, single submitter. Criteria: ACMG Guidelines, 2015. Collection method: clinical testing. Allele origin: germline. Affected: no.

Ambry Genetics
Classification: Likely benign for Cardiovascular phenotype; Hereditary cancer-predisposing syndrome. Last evaluated: 2016-06-07. Review status: criteria provided, single submitter. Criteria: Ambry Variant Classification Scheme 2023. Collection method: clinical testing. Allele origin: germline.